The following is an entry in ClinVar:

NM_000051.4(ATM):c.7603C>T (p.Leu2535=)

Genes: C11orf65 (chromosome 11 open reading frame 65; minus strand), ATM (ATM serine/threonine kinase; plus strand). Cytogenetic location: 11q22.3.
Variant type: single nucleotide variant.
Coding change: c.7603C>T on transcript NM_000051.4 (MANE Select); coding-DNA position 7603, C replaced by T.
Protein change: p.Leu2535=; no amino-acid change (leucine 2535 retained).
Molecular consequence: synonymous variant. On other transcripts: non-coding transcript variant (1), intron variant (2).
Genome position (GRCh38, 1-based): chr11:108,331,531, C>T. VCF-style: chr11-108331531-C-T. GRCh37 (hg19) VCF-style: chr11-108202258-C-T.
Other names: c.7603C>T, p.Leu2535= (NM_001351834.2); c.641-22460G>A (NM_001330368.2); c.*38+3689G>A (NM_001351110.2).
Identifiers: ClinVar variation 479014 (VCV000479014.9), dbSNP rs1555124111, ClinGen allele CA476677073.

ClinVar aggregate classification (germline): Benign/Likely benign. Review status: criteria provided, multiple submitters, no conflicts (2 of 4 stars). 3 submissions from 3 submitters: Benign (1); Likely benign (2). Last evaluated 2025-07-25.

Conditions:
Hereditary cancer-predisposing syndrome. Also called: Neoplastic Syndromes, Hereditary; Hereditary Cancer Syndrome; Tumor predisposition; Hereditary neoplastic syndrome. Identifiers: Orphanet 140162, MedGen C0027672, MeSH D009386, MONDO:0015356.
Familial cancer of breast. Also called: Hereditary breast cancer; BREAST CANCER, FAMILIAL; hereditary breast carcinoma. Identifiers: Orphanet 227535, MedGen C0346153, MONDO:0016419, OMIM 114480. Disease mechanism: loss of function.

Submissions (3):

Color Diagnostics, LLC DBA Color Health
Classification: Likely benign for Hereditary cancer-predisposing syndrome. Last evaluated: 2025-07-25. Review status: criteria provided, single submitter. Criteria: ACMG Guidelines, 2015. Collection method: clinical testing. Allele origin: germline.

Myriad Genetics, Inc.
Classification: Benign for Familial cancer of breast. Last evaluated: 2024-06-14. Review status: criteria provided, single submitter. Criteria: Myriad Autosomal Dominant, Autosomal Recessive and X-Linked Classification Criteria (2023). Collection method: clinical testing. Allele origin: unknown.
Comment: This variant is considered benign. This variant is a silent/synonymous amino acid change and it is not expected to impact splicing.

Ambry Genetics
Classification: Likely benign for Hereditary cancer-predisposing syndrome. Last evaluated: 2016-07-26. Review status: criteria provided, single submitter. Criteria: Ambry Variant Classification Scheme 2023. Collection method: clinical testing. Allele origin: germline.